The following is an entry in ClinVar:

NM_001042603.3(KDM5A):c.1458T>C (p.Asp486=)

Gene: KDM5A (lysine demethylase 5A; minus strand). Cytogenetic location: 12p13.33.
Variant type: single nucleotide variant.
Coding change: c.1458T>C on transcript NM_001042603.3 (MANE Select); coding-DNA position 1458, T replaced by C.
Protein change: p.Asp486=; no amino-acid change (aspartic acid 486 retained).
Molecular consequence: synonymous variant.
Genome position (GRCh38, 1-based): chr12:334,273, A>G on the plus strand (T>C on the coding strand, the complement: KDM5A is on the minus strand). VCF-style: chr12-334273-A-G. GRCh37 (hg19) VCF-style: chr12-443439-A-G.
Identifiers: ClinVar variation 4872717 (VCV004872717.2).

ClinVar aggregate classification (germline): Likely benign (1 of 4 stars; one submission).

gnomAD v4.1: 9 of 1,614,070 alleles (0.00056%); highest among the groups gnomAD compares: Admixed American, 0.015%; 1 homozygote.

Submission:

CeGaT Center for Human Genetics Tuebingen
Classification: Likely benign. Last evaluated: 2026-05-01. Review status: criteria provided, single submitter. Criteria: CeGaT Center For Human Genetics Tuebingen Variant Classification Criteria Version 2. Collection method: clinical testing. Allele origin: germline. Affected: yes. Observed: 1 variant allele.
Comment: KDM5A: BP4